The following is an entry in ClinVar:

ClinVar aggregate classification (germline): Uncertain significance (1 of 4 stars; one submission).

Submission:

GeneDx
Classification: Uncertain significance. Last evaluated: 2023-01-13. Review status: criteria provided, single submitter. Criteria: GeneDx Variant Classification Process June 2021. Collection method: clinical testing. Allele origin: germline. Affected: yes.
Comment: Has not been previously published as pathogenic or benign to our knowledge; In silico analysis is inconclusive as to whether the variant alters gene splicing. In the absence of RNA/functional studies, the actual effect of this sequence change is unknown.

NM_013436.5(NCKAP1):c.604-5_604-2del

Gene: NCKAP1 (NCK associated protein 1; minus strand). Cytogenetic location: 2q32.1.
Variant type: Deletion.
Coding change: c.604-5_604-2del on transcript NM_013436.5 (MANE Select); 5 bases into the intron before coding-DNA position 604 through the canonical splice acceptor site of the intron before coding-DNA position 604, 4 bases deleted (ATTA; older notation c.604-5_604-2delATTA).
Molecular consequence: splice acceptor variant.
Genome position (GRCh38, 1-based): chr2:182,995,840-182,995,843, TAAT deleted on the plus strand (ATTA on the coding strand, the reverse complement: NCKAP1 is on the minus strand); deleting any 4 consecutive bases within chr2:182,995,840-182,995,846 gives the same sequence; the c. name uses the placement nearest the transcript's 3' end. VCF-style (leftmost placement, unchanged base first): chr2-182995839-CTAAT-C. GRCh37 (hg19) VCF-style: chr2-183860567-CTAAT-C.
Other names: c.622-5_622-2del (NM_205842.3).
Identifiers: ClinVar variation 2572881 (VCV002572881.1), dbSNP rs1469718695, ClinGen allele CA538132974.